The following is an entry in ClinVar:

NM_000053.4(ATP7B):c.482T>C (p.Ile161Thr)

Gene: ATP7B (ATPase copper transporting beta; minus strand). Cytogenetic location: 13q14.3.
Variant type: single nucleotide variant.
Coding change: c.482T>C on transcript NM_000053.4 (MANE Select); coding-DNA position 482, T replaced by C.
Protein change: p.Ile161Thr; replaces isoleucine 161 with threonine.
Molecular consequence: missense variant.
Genome position (GRCh38, 1-based): chr13:51,974,738, A>G on the plus strand (T>C on the coding strand, the complement: ATP7B is on the minus strand). VCF-style: chr13-51974738-A-G. GRCh37 (hg19) VCF-style: chr13-52548874-A-G.
Other names: c.482T>C, p.Ile161Thr (NM_001005918.3, NM_001243182.2, NM_001330578.2 and 1 more transcripts); short protein forms I161T.
Identifiers: ClinVar variation 568252 (VCV000568252.14), dbSNP rs531199827, ClinGen allele CA6989553.

ClinVar aggregate classification (germline): Uncertain significance. Review status: criteria provided, multiple submitters, no conflicts (2 of 4 stars). 7 submissions from 7 submitters: Uncertain significance (6). 1 of the submissions does not count toward it. Last evaluated 2025-09-16.

Conditions:
Wilson disease (WND). Also called: Wilson's disease. Identifiers: Orphanet 905, MedGen C0019202, MONDO:0010200, OMIM 277900. Disease mechanism: loss of function.

Allele frequency attached by ClinVar (database versions not stated): ExAC 0.00002; gnomAD exomes 0.00004 and 0.00008; gnomAD 0.00009; 1000 Genomes Project 30x 0.00016; 1000 Genomes Project 0.00020; TOPMed 0.00005.
gnomAD v4.1: 72 of 1,614,064 alleles (0.0045%); highest among the groups gnomAD compares: Admixed American, 0.05%; no homozygotes.

Submissions (7):

Women's Health and Genetics/Laboratory Corporation of America, LabCorp
Classification: Uncertain significance. Last evaluated: 2025-09-16. Review status: criteria provided, single submitter. Criteria: LabCorp Variant Classification Summary - May 2015. Collection method: clinical testing. Allele origin: germline.
Comment: Variant summary: ATP7B c.482T>C (p.Ile161Thr) results in a non-conservative amino acid change in the encoded protein sequence. Algorithms developed to predict the effect of missense changes on protein structure and function all suggest that this variant is likely to be disruptive. The variant allele was found at a frequency of 7.6e-05 in 249424 control chromosomes. This frequency is not significantly higher than estimated for disease-causing variants in ATP7B, allowing no conclusion about variant significance. c.482T>C has been observed in individuals affected with Wilson Disease, without strong evidence of causality (example: Snchez-Monteagudo_2020, Klippel_2025). These reports do not provide unequivocal conclusions about association of the variant with Wilson Disease. At least one publication reports experimental evidence evaluating an impact on protein function. Specifically, using human fibroblasts lacking active ATP-dependent Cu transporters, the variant resulted in about 60% of pigment intensity in WT cells (Calvo_2025). The following publications have been ascertained in the context of this evaluation (PMID: 40661833, 39846592, 32043565). ClinVar contains an entry for this variant (Variation ID: 568252). Based on the evidence outlined above, the variant was classified as uncertain significance.

Color Diagnostics, LLC DBA Color Health
Classification: Uncertain significance for Wilson disease. Last evaluated: 2025-08-19. Review status: criteria provided, single submitter. Criteria: ACMG Guidelines, 2015. Collection method: clinical testing. Allele origin: germline.
Comment: This missense variant replaces isoleucine with threonine at codon 161 of the ATP7B protein. Computational prediction suggests that this variant may have deleterious impact on protein structure and function. A functional study showed that this variant decreased protein expression and Cu transport activity compared to wildtype (PMID: 40661833). This variant has been reported in the compound heterozygous state with a variant of uncertain significance, c.2865+467A>G, in an individual affected with Wilson disease (PMID: 32043565). This variant has been identified in 19/249424 chromosomes in the general population by the Genome Aggregation Database (gnomAD). The available evidence is insufficient to determine the role of this variant in disease conclusively. Therefore, this variant is classified as a Variant of Uncertain Significance.

All of Us Research Program, National Institutes of Health
Classification: Uncertain significance for Wilson disease. Last evaluated: 2024-08-29. Review status: criteria provided, single submitter. Criteria: ACMG Guidelines, 2015. Collection method: clinical testing. Allele origin: germline. Inheritance: Autosomal recessive inheritance. Observed: 12 variant alleles, 12 heterozygotes.
Comment: This missense variant replaces isoleucine with threonine at codon 161 of the ATP7B protein. Computational prediction suggests that this variant may have deleterious impact on protein structure and function (internally defined REVEL score threshold >= 0.7, PMID: 27666373). To our knowledge, functional studies have not been reported for this variant. This variant has been reported in the compound heterozygous state with a variant of uncertain significance, c.2865+467A>G, in an individual affected with Wilson disease (PMID: 32043565). This variant has been identified in 19/249424 chromosomes in the general population by the Genome Aggregation Database (gnomAD). The available evidence is insufficient to determine the role of this variant in disease conclusively. Therefore, this variant is classified as a Variant of Uncertain Significance.

This study involves interpretation of variants in research participants for the purpose of population health screening. Participant phenotype was not available at the time of variant classification. Additional details can be found in publication PMID: 35346344, PMCID: PMC8962531

Labcorp Genetics (formerly Invitae), Labcorp
Classification: Uncertain significance for Wilson disease. Last evaluated: 2022-07-14. Review status: criteria provided, single submitter. Criteria: Invitae Variant Classification Sherloc (09022015). Collection method: clinical testing. Allele origin: germline.
Comment: This sequence change replaces isoleucine, which is neutral and non-polar, with threonine, which is neutral and polar, at codon 161 of the ATP7B protein (p.Ile161Thr). This variant is present in population databases (rs531199827, gnomAD 0.04%). This missense change has been observed in individual(s) with Wilson disease (PMID: 32043565). ClinVar contains an entry for this variant (Variation ID: 568252). Advanced modeling of protein sequence and biophysical properties (such as structural, functional, and spatial information, amino acid conservation, physicochemical variation, residue mobility, and thermodynamic stability) performed at Invitae indicates that this missense variant is expected to disrupt ATP7B protein function. In summary, the available evidence is currently insufficient to determine the role of this variant in disease. Therefore, it has been classified as a Variant of Uncertain Significance.

Revvity Omics, Revvity
Classification: Uncertain significance for Wilson disease. Last evaluated: 2022-06-13. Review status: criteria provided, single submitter. Criteria: ACMG Guidelines, 2015. Collection method: clinical testing. Allele origin: germline.

Fulgent Genetics
Classification: Uncertain significance for Wilson disease. Last evaluated: 2022-02-03. Review status: criteria provided, single submitter. Criteria: ACMG Guidelines, 2015. Collection method: clinical testing. Allele origin: unknown.

Natera, Inc.
Classification: Uncertain significance for Wilson disease. Last evaluated: 2019-10-28. Review status: no assertion criteria provided. Collection method: clinical testing. Allele origin: germline. Not counted in ClinVar's aggregate classification.

Literature cited by the submitters: PubMed 32043565 (cited by 4 submitters); PubMed 39846592 (cited by Women's Health and Genetics/Laboratory Corporation of America, LabCorp); PubMed 40661833 (cited by Women's Health and Genetics/Laboratory Corporation of America, LabCorp and Color Diagnostics, LLC DBA Color Health).